The following is an entry in ClinVar:

NM_014014.5(SNRNP200):c.2662C>T (p.Pro888Ser)

Gene: SNRNP200 (small nuclear ribonucleoprotein U5 subunit 200; minus strand). Cytogenetic location: 2q11.2.
Variant type: single nucleotide variant.
Coding change: c.2662C>T on transcript NM_014014.5 (MANE Select); coding-DNA position 2662, C replaced by T.
Protein change: p.Pro888Ser; replaces proline 888 with serine.
Molecular consequence: missense variant.
Genome position (GRCh38, 1-based): chr2:96,290,406, G>A on the plus strand (C>T on the coding strand, the complement: SNRNP200 is on the minus strand). VCF-style: chr2-96290406-G-A. GRCh37 (hg19) VCF-style: chr2-96956144-G-A.
Other names: short protein forms P888S.
Identifiers: ClinVar variation 1514685 (VCV001514685.8), dbSNP rs866513643, ClinGen allele CA52398333.
Genomic context (GRCh38, chr2:96,290,406, plus strand): 5'-CTAGCACGATTTCTGCATTGAGCATGTCAGGAAGCTTTGAAACCATCTGGCTTTCAATAG[G>A]AAGTTGTTGATTGAGGAGGGACAGGTAGTACTGTAGCTCCCCATGAGATGTGATGAGTAT-3'
Protein context (NP_054733.2, residues 878-898): YYLSLLNQQL[Pro888Ser]IESQMVSKLP

ClinVar aggregate classification (germline): Uncertain significance (1 of 4 stars; one submission).

Allele frequency attached by ClinVar (database versions not stated): gnomAD exomes below 0.00001.

Submission:

Labcorp Genetics (formerly Invitae), Labcorp
Classification: Uncertain significance. Last evaluated: 2022-07-19. Review status: criteria provided, single submitter. Criteria: Invitae Variant Classification Sherloc (09022015). Collection method: clinical testing. Allele origin: germline.
Comment: In summary, the available evidence is currently insufficient to determine the role of this variant in disease. Therefore, it has been classified as a Variant of Uncertain Significance. Algorithms developed to predict the effect of missense changes on protein structure and function are either unavailable or do not agree on the potential impact of this missense change (SIFT: "Deleterious"; PolyPhen-2: "Probably Damaging"; Align-GVGD: "Class C0"). ClinVar contains an entry for this variant (Variation ID: 1514685). This variant has not been reported in the literature in individuals affected with SNRNP200-related conditions. This variant is not present in population databases (gnomAD no frequency). This sequence change replaces proline, which is neutral and non-polar, with serine, which is neutral and polar, at codon 888 of the SNRNP200 protein (p.Pro888Ser).